The following is an entry in ClinVar:

NM_001199138.2(NLRC4):c.2501C>T (p.Ala834Val)

Gene: NLRC4 (NLR family CARD domain containing 4; minus strand). Cytogenetic location: 2p22.3.
Variant type: single nucleotide variant.
Coding change: c.2501C>T on transcript NM_001199138.2 (MANE Select); coding-DNA position 2501, C replaced by T.
Protein change: p.Ala834Val; replaces alanine 834 with valine.
Molecular consequence: missense variant.
Genome position (GRCh38, 1-based): chr2:32,238,152, G>A on the plus strand (C>T on the coding strand, the complement: NLRC4 is on the minus strand). VCF-style: chr2-32238152-G-A. GRCh37 (hg19) VCF-style: chr2-32463221-G-A.
Other names: c.2501C>T, p.Ala834Val (NM_001199139.2, NM_021209.5); c.506C>T, p.Ala169Val (NM_001302504.2); short protein forms A169V, A834V.
Identifiers: ClinVar variation 1970145 (VCV001970145.5), dbSNP rs749010294, ClinGen allele CA1601786.

ClinVar aggregate classification (germline): Uncertain significance (1 of 4 stars; one submission).

Conditions:
Familial cold autoinflammatory syndrome 4 (FCAS4). Identifiers: Orphanet 47045, Orphanet 576349, MedGen C4015276, MONDO:0014498, OMIM 616115.
Periodic fever-infantile enterocolitis-autoinflammatory syndrome. Also called: Autoinflammation with infantile enterocolitis. Identifiers: Orphanet 436166, MedGen C4015067, MONDO:0014472, OMIM 616050.

Allele frequency attached by ClinVar (database versions not stated): ExAC 0.00001; gnomAD exomes 0.00001.

Submission:

Labcorp Genetics (formerly Invitae), Labcorp
Classification: Uncertain significance for Periodic fever-infantile enterocolitis-autoinflammatory syndrome; Familial cold autoinflammatory syndrome 4. Last evaluated: 2023-06-10. Review status: criteria provided, single submitter. Criteria: Invitae Variant Classification Sherloc (09022015). Collection method: clinical testing. Allele origin: germline.
Comment: Advanced modeling of protein sequence and biophysical properties (such as structural, functional, and spatial information, amino acid conservation, physicochemical variation, residue mobility, and thermodynamic stability) performed at Invitae indicates that this missense variant is not expected to disrupt NLRC4 protein function. ClinVar contains an entry for this variant (Variation ID: 1970145). This variant has not been reported in the literature in individuals affected with NLRC4-related conditions. This variant is present in population databases (rs749010294, gnomAD 0.006%). This sequence change replaces alanine, which is neutral and non-polar, with valine, which is neutral and non-polar, at codon 834 of the NLRC4 protein (p.Ala834Val). In summary, the available evidence is currently insufficient to determine the role of this variant in disease. Therefore, it has been classified as a Variant of Uncertain Significance.